The following is an entry in ClinVar:

ClinVar aggregate classification (germline): Uncertain significance (1 of 4 stars; one submission).

Allele frequency attached by ClinVar (database versions not stated): TOPMed 0.00001; gnomAD 0.00001.
gnomAD v4.1: 1 of 1,586,996 alleles (0.000063%); highest among the groups gnomAD compares: Admixed American, 0.0019%; no homozygotes.

Submission:

Labcorp Genetics (formerly Invitae), Labcorp
Classification: Uncertain significance. Last evaluated: 2023-02-23. Review status: criteria provided, single submitter. Criteria: Invitae Variant Classification Sherloc (09022015). Collection method: clinical testing. Allele origin: germline.
Comment: This variant has not been reported in the literature in individuals affected with FBXO11-related conditions. In summary, the available evidence is currently insufficient to determine the role of this variant in disease. Therefore, it has been classified as a Variant of Uncertain Significance. An algorithm developed to predict the effect of missense changes on protein structure and function (PolyPhen-2) suggests that this variant is likely to be tolerated. This variant is not present in population databases (gnomAD no frequency). This sequence change replaces threonine, which is neutral and polar, with serine, which is neutral and polar, at codon 855 of the FBXO11 protein (p.Thr855Ser).

NM_001190274.2(FBXO11):c.2564C>G (p.Thr855Ser)

Genes: FBXO11 (F-box protein 11; minus strand), MSH6 (mutS homolog 6; plus strand). Cytogenetic location: 2p16.3.
Variant type: single nucleotide variant.
Coding change: c.2564C>G on transcript NM_001190274.2 (MANE Select); coding-DNA position 2564, C replaced by G.
Protein change: p.Thr855Ser; replaces threonine 855 with serine.
Molecular consequence: missense variant. On other transcripts: intron variant (6).
Genome position (GRCh38, 1-based): chr2:47,808,419, G>C on the plus strand (C>G on the coding strand, the complement: FBXO11 is on the minus strand). VCF-style: chr2-47808419-G-C. GRCh37 (hg19) VCF-style: chr2-48035558-G-C.
Other names: c.2312C>G, p.Thr771Ser (NM_001374325.1, NM_025133.4); c.*43+1516G>C (NM_001406809.1); c.*40+1519G>C (NM_001406796.1, NM_001406811.1, NM_001406805.1 and 2 more transcripts); short protein forms T771S, T855S.
Identifiers: ClinVar variation 2804800 (VCV002804800.3), dbSNP rs1670373529, ClinGen allele CA346762309.